The following is an entry in ClinVar:

ClinVar aggregate classification (germline): Uncertain significance. Review status: criteria provided, multiple submitters, no conflicts (2 of 4 stars). 2 submissions from 2 submitters: Uncertain significance (2). Last evaluated 2025-12-15.

Conditions:
Inborn genetic diseases. Identifiers: MedGen C0950123, MeSH D030342.

Allele frequency attached by ClinVar (database versions not stated): gnomAD 0.00001.
gnomAD v4.1: 1 of 1,614,052 alleles (0.000062%); highest among the groups gnomAD compares: African/African-American, 0.0013%; no homozygotes.

Submissions (2):

Ambry Genetics
Classification: Uncertain significance for Inborn genetic diseases. Last evaluated: 2025-12-15. Review status: criteria provided, single submitter. Criteria: Ambry Variant Classification Scheme 2023. Collection method: clinical testing. Allele origin: germline.

Labcorp Genetics (formerly Invitae), Labcorp
Classification: Uncertain significance. Last evaluated: 2022-08-16. Review status: criteria provided, single submitter. Criteria: Invitae Variant Classification Sherloc (09022015). Collection method: clinical testing. Allele origin: germline.
Comment: This sequence change replaces alanine, which is neutral and non-polar, with proline, which is neutral and non-polar, at codon 207 of the NCSTN protein (p.Ala207Pro). ClinVar contains an entry for this variant (Variation ID: 1025811). This variant is present in population databases (no rsID available, gnomAD 0.01%). This variant has not been reported in the literature in individuals affected with NCSTN-related conditions. Algorithms developed to predict the effect of sequence changes on RNA splicing suggest that this variant may create or strengthen a splice site. Algorithms developed to predict the effect of missense changes on protein structure and function (SIFT, PolyPhen-2, Align-GVGD) all suggest that this variant is likely to be tolerated. In summary, the available evidence is currently insufficient to determine the role of this variant in disease. Therefore, it has been classified as a Variant of Uncertain Significance.

NM_015331.3(NCSTN):c.619G>C (p.Ala207Pro)

Gene: NCSTN (nicastrin; plus strand). Cytogenetic location: 1q23.2.
Variant type: single nucleotide variant.
Coding change: c.619G>C on transcript NM_015331.3 (MANE Select); coding-DNA position 619, G replaced by C.
Protein change: p.Ala207Pro; replaces alanine 207 with proline.
Molecular consequence: missense variant. On other transcripts: intron variant (1).
Genome position (GRCh38, 1-based): chr1:160,351,258, G>C. VCF-style: chr1-160351258-G-C. GRCh37 (hg19) VCF-style: chr1-160321048-G-C.
Other names: c.619G>C (NM_015331.2); c.559G>C, p.Ala187Pro (NM_001290184.2); c.619G>C, p.Ala207Pro (NM_001349729.2); c.582+1008G>C (NM_001290186.2); short protein forms A187P, A207P.
Identifiers: ClinVar variation 1025811 (VCV001025811.9), dbSNP rs1485474249, ClinGen allele CA343278488.